The following is an entry in ClinVar:

ClinVar aggregate classification (germline): Uncertain significance (1 of 4 stars; one submission).

gnomAD v4.1: 1 of 1,613,712 alleles (0.000062%); highest among the groups gnomAD compares: Middle Eastern, 0.017%; no homozygotes.

Submission:

Ambry Genetics
Classification: Uncertain significance. Last evaluated: 2024-05-21. Review status: criteria provided, single submitter. Criteria: Ambry Variant Classification Scheme 2023. Collection method: clinical testing. Allele origin: germline.
Comment: The c.1162+4A>G intronic variant results from an A to G substitution 4 nucleotides after coding exon 11 in the KIF1B gene. This nucleotide position is highly conserved in available vertebrate species. In silico splice site analysis predicts that this alteration will result in the creation or strengthening of a novel splice donor site. The evidence for this gene-disease relationship is limited; therefore, the clinical significance of this alteration is unclear.

NM_001365951.3(KIF1B):c.1180+4A>G

Gene: KIF1B (kinesin family member 1B; plus strand). Cytogenetic location: 1p36.22.
Variant type: single nucleotide variant.
Coding change: c.1180+4A>G on transcript NM_001365951.3 (MANE Select); 4 bases into the intron after coding-DNA position 1180, A replaced by G.
Molecular consequence: intron variant.
Genome position (GRCh38, 1-based): chr1:10,278,132, A>G. VCF-style: chr1-10278132-A-G. GRCh37 (hg19) VCF-style: chr1-10338190-A-G.
Other names: c.1162+4A>G (NM_183416.4, NM_015074.3, NM_001365953.1); c.1180+4A>G (NM_001365952.1).
Identifiers: ClinVar variation 3288385 (VCV003288385.1).